The following is an entry in ClinVar:

ClinVar aggregate classification (germline): Uncertain significance (1 of 4 stars; one submission).

Conditions:
Epidermolysis bullosa simplex 3, localized or generalized intermediate, with BP230 deficiency (EBS3). Also called: Epidermolysis bullosa simplex due to BP230 deficiency; Epidermolysis bullosa simplex, autosomal recessive 2. Identifiers: Orphanet 412181, MedGen C3809470, MONDO:0014180, OMIM 615425.
Hereditary sensory and autonomic neuropathy type 6. Also called: Neuropathy, hereditary sensory and autonomic, type VI; HSAN VI. Identifiers: Orphanet 314381, MedGen C3539003, MONDO:0013839, OMIM 614653.

gnomAD v4.1: 9 of 1,613,138 alleles (0.00056%); highest among the groups gnomAD compares: Non-Finnish European, 0.00076%; no homozygotes.

Submission:

Labcorp Genetics (formerly Invitae), Labcorp
Classification: Uncertain significance for Epidermolysis bullosa simplex 3, localized or generalized intermediate, with BP230 deficiency; Hereditary sensory and autonomic neuropathy type 6. Last evaluated: 2024-11-04. Review status: criteria provided, single submitter. Criteria: Invitae Variant Classification Sherloc (09022015). Collection method: clinical testing. Allele origin: germline.
Comment: The DST gene has multiple clinically relevant transcripts. This variant occurs in alternate transcript NM_015548.4, and corresponds to NM_001723.5:c.*15392G>A in the primary transcript. This sequence change replaces alanine, which is neutral and non-polar, with threonine, which is neutral and polar, at codon 1257 of the DST protein (p.Ala1257Thr). This variant is not present in population databases (gnomAD no frequency). This variant has not been reported in the literature in individuals affected with DST-related conditions. Experimental studies and prediction algorithms are not available or were not evaluated, and the functional significance of this variant is currently unknown. In summary, the available evidence is currently insufficient to determine the role of this variant in disease. Therefore, it has been classified as a Variant of Uncertain Significance.

NM_001374736.1(DST):c.11638G>A (p.Ala3880Thr)

Gene: DST (dystonin; minus strand). Cytogenetic location: 6p12.1.
Variant type: single nucleotide variant.
Coding change: c.11638G>A on transcript NM_001374736.1 (MANE Select); coding-DNA position 11638, G replaced by A.
Protein change: p.Ala3880Thr; replaces alanine 3880 with threonine.
Molecular consequence: missense variant.
Genome position (GRCh38, 1-based): chr6:56,600,125, C>T on the plus strand (G>A on the coding strand, the complement: DST is on the minus strand). VCF-style: chr6-56600125-C-T. GRCh37 (hg19) VCF-style: chr6-56464923-C-T.
Other names: c.5281G>A, p.Ala1761Thr (NM_001144769.5); c.4867G>A, p.Ala1623Thr (NM_001144770.2); c.11638G>A, p.Ala3880Thr (NM_001374722.1); c.11005G>A, p.Ala3669Thr (NM_001374729.1); c.4747G>A, p.Ala1583Thr (NM_001374730.1, NM_001386100.1, NM_183380.4); c.11665G>A, p.Ala3889Thr (NM_001374734.1); c.3769G>A, p.Ala1257Thr (NM_015548.5); short protein forms A1257T, A1583T, A1623T, A1761T, A3669T, A3880T, A3889T.
Identifiers: ClinVar variation 3761511 (VCV003761511.2).